The following is an entry in ClinVar:

NM_001375524.1(TRRAP):c.142A>T (p.Asn48Tyr)

Gene: TRRAP (transformation/transcription domain associated protein; plus strand). Cytogenetic location: 7q22.1.
Variant type: single nucleotide variant.
Coding change: c.142A>T on transcript NM_001375524.1 (MANE Select); coding-DNA position 142, A replaced by T.
Protein change: p.Asn48Tyr; replaces asparagine 48 with tyrosine.
Molecular consequence: missense variant.
Genome position (GRCh38, 1-based): chr7:98,882,016, A>T. VCF-style: chr7-98882016-A-T. GRCh37 (hg19) VCF-style: chr7-98479639-A-T.
Other names: c.142A>T, p.Asn48Tyr (NM_001244580.2, NM_003496.4); short protein forms N48Y.
Identifiers: ClinVar variation 2574250 (VCV002574250.1), dbSNP rs2484612017, ClinGen allele CA368302236.

ClinVar aggregate classification (germline): Uncertain significance (1 of 4 stars; one submission).

gnomAD v4.1: 1 of 1,611,506 alleles (0.000062%); highest among the groups gnomAD compares: Non-Finnish European, 0.000085%; no homozygotes.

Submission:

GeneDx
Classification: Uncertain significance. Last evaluated: 2023-01-16. Review status: criteria provided, single submitter. Criteria: GeneDx Variant Classification Process June 2021. Collection method: clinical testing. Allele origin: germline. Affected: yes.
Comment: Not observed at significant frequency in large population cohorts (gnomAD); In silico analysis supports that this missense variant has a deleterious effect on protein structure/function; Has not been previously published as pathogenic or benign to our knowledge